The following is an entry in ClinVar:

ClinVar aggregate classification (germline): Uncertain significance (1 of 4 stars; one submission).

Conditions:
Inborn genetic diseases. Identifiers: MedGen C0950123, MeSH D030342.

Submission:

Ambry Genetics
Classification: Uncertain significance for Inborn genetic diseases. Last evaluated: 2024-12-16. Review status: criteria provided, single submitter. Criteria: Ambry Variant Classification Scheme 2023. Collection method: clinical testing. Allele origin: germline.
Comment: The p.A193S variant (also known as c.577G>T), located in coding exon 5 of the FANCG gene, results from a G to T substitution at nucleotide position 577. The alanine at codon 193 is replaced by serine, an amino acid with similar properties. This amino acid position is conserved. In addition, this alteration is predicted to be tolerated by in silico analysis. Based on the available evidence, the clinical significance of this variant remains unclear.

NM_004629.2(FANCG):c.577G>T (p.Ala193Ser)

Gene: FANCG (FA complementation group G; minus strand). Cytogenetic location: 9p13.3.
Variant type: single nucleotide variant.
Coding change: c.577G>T on transcript NM_004629.2 (MANE Select); coding-DNA position 577, G replaced by T.
Protein change: p.Ala193Ser; replaces alanine 193 with serine.
Molecular consequence: missense variant.
Genome position (GRCh38, 1-based): chr9:35,077,333, C>A on the plus strand (G>T on the coding strand, the complement: FANCG is on the minus strand). VCF-style: chr9-35077333-C-A. GRCh37 (hg19) VCF-style: chr9-35077330-C-A.
Other names: short protein forms A193S.
Identifiers: ClinVar variation 3848372 (VCV003848372.1).